The following is an entry in ClinVar:

NM_000180.4(GUCY2D):c.1824G>A (p.Ala608=)

Gene: GUCY2D (guanylate cyclase 2D, retinal; plus strand). Cytogenetic location: 17p13.1.
Variant type: single nucleotide variant.
Coding change: c.1824G>A on transcript NM_000180.4 (MANE Select); coding-DNA position 1824, G replaced by A.
Protein change: p.Ala608=; no amino-acid change (alanine 608 retained).
Molecular consequence: synonymous variant.
Genome position (GRCh38, 1-based): chr17:8,012,218, G>A. VCF-style: chr17-8012218-G-A. GRCh37 (hg19) VCF-style: chr17-7915536-G-A.
Other names: c.1824G>A (NM_000180.3).
Identifiers: ClinVar variation 1603532 (VCV001603532.10), dbSNP rs765774591, ClinGen allele CA8365911.
Genomic context (GRCh38, chr17:8,012,218, plus strand): 5'-GCATGAGAACGTGGCCCTCTACCTGGGGCTTTTCCTGGCTCGGGGAGCAGAAGGCCCTGC[G>A]GCCCTCTGGGAGGGCAACCTGGCTGTGGTCTCAGAGCACTGCACGCGGGGCTCTCTTCAG-3'
Protein context (NP_000171.1, residues 598-618): LFLARGAEGP[Ala608=]ALWEGNLAVV

ClinVar aggregate classification (germline): Likely benign. Review status: criteria provided, multiple submitters, no conflicts (2 of 4 stars). 3 submissions from 3 submitters: Likely benign (3). Last evaluated 2025-12-01.

Conditions:
Cone-rod dystrophy 6 (CORD6). Also called: RETINAL CONE DYSTROPHY 2; Cone dystrophy progressive. Identifiers: Orphanet 1872, MedGen C1866293, MONDO:0011143, OMIM 601777.
Leber congenital amaurosis 1 (LCA1). Also called: RETINAL BLINDNESS, CONGENITAL; AMAUROSIS CONGENITA OF LEBER I; Congenital absence of the rods and cones; Leber's congenital tapetoretinal degeneration; Leber's congenital tapetoretinal dysplasia. Identifiers: Orphanet 65, MedGen C2931258, MONDO:0008764, OMIM 204000.
GUCY2D-related disorder. Also called: GUCY2D-related condition.

Allele frequency attached by ClinVar (database versions not stated): TOPMed 0.00001; ExAC 0.00003; gnomAD 0.00003; gnomAD exomes 0.00003.
gnomAD v4.1: 52 of 1,613,858 alleles (0.0032%); highest among the groups gnomAD compares: South Asian, 0.0099%; 1 homozygote.

Submissions (3):

Labcorp Genetics (formerly Invitae), Labcorp
Classification: Likely benign for Leber congenital amaurosis 1; Cone-rod dystrophy 6. Last evaluated: 2025-12-01. Review status: criteria provided, single submitter. Criteria: Invitae Variant Classification Sherloc (09022015). Collection method: clinical testing. Allele origin: germline.

PreventionGenetics, part of Exact Sciences
Classification: Likely benign for GUCY2D-related condition. Last evaluated: 2025-01-21. Review status: criteria provided, single submitter. Criteria: ACMG Guidelines, 2015. Collection method: clinical testing. Allele origin: germline.
Comment: This variant is classified as likely benign based on ACMG/AMP sequence variant interpretation guidelines (Richards et al. 2015 PMID: 25741868, with internal and published modifications).

Blueprint Genetics
Classification: Likely benign. Last evaluated: 2024-10-07. Review status: criteria provided, single submitter. Criteria: ACMG Guidelines, 2015. Collection method: clinical testing. Allele origin: germline.